The following is an entry in ClinVar:

NM_004586.3(RPS6KA3):c.1848T>G (p.Thr616=)

Gene: RPS6KA3 (ribosomal protein S6 kinase A3; minus strand). Cytogenetic location: Xp22.12.
Variant type: single nucleotide variant.
Coding change: c.1848T>G on transcript NM_004586.3 (MANE Select); coding-DNA position 1848, T replaced by G.
Protein change: p.Thr616=; no amino-acid change (threonine 616 retained).
Molecular consequence: synonymous variant.
Genome position (GRCh38, 1-based): chrX:20,161,755, A>C on the plus strand (T>G on the coding strand, the complement: RPS6KA3 is on the minus strand). VCF-style: chrX-20161755-A-C. GRCh37 (hg19) VCF-style: chrX-20179873-A-C.
Other names: c.1764T>G, p.Thr588= (NM_001438340.1).
Identifiers: ClinVar variation 5039843 (VCV005039843.1).

ClinVar aggregate classification (germline): Likely benign (1 of 4 stars; one submission).

gnomAD v4.1: 7 of 937,294 alleles (0.00075%); highest among the groups gnomAD compares: Admixed American, 0.019%; no homozygotes.

Submission:

CeGaT Center for Human Genetics Tuebingen
Classification: Likely benign. Last evaluated: 2026-08-01. Review status: criteria provided, single submitter. Criteria: CeGaT Center For Human Genetics Tuebingen Variant Classification Criteria Version 2. Collection method: clinical testing. Allele origin: germline. Affected: yes. Observed: 1 variant allele.
Comment: RPS6KA3: BP4